The following is an entry in ClinVar:

NM_001378615.1(CC2D2A):c.971G>A (p.Arg324His)

Genes: CC2D2A (coiled-coil and C2 domain containing 2A; plus strand), FBXL5 (F-box and leucine rich repeat protein 5; minus strand). Cytogenetic location: 4p15.32.
Variant type: single nucleotide variant.
Coding change: c.971G>A on transcript NM_001378615.1 (MANE Select); coding-DNA position 971, G replaced by A.
Protein change: p.Arg324His; replaces arginine 324 with histidine.
Molecular consequence: missense variant.
Genome position (GRCh38, 1-based): chr4:15,515,958, G>A. VCF-style: chr4-15515958-G-A. GRCh37 (hg19) VCF-style: chr4-15517581-G-A.
Other names: c.971G>A, p.Arg324His (NM_001080522.2); c.824G>A, p.Arg275His (NM_001378617.1); short protein forms R324H, R275H.
Identifiers: ClinVar variation 285506 (VCV000285506.20), dbSNP rs113371687, ClinGen allele CA2863530.

ClinVar aggregate classification (germline): Conflicting classifications of pathogenicity. Review status: criteria provided, conflicting classifications (1 of 4 stars). 6 submissions from 5 submitters: Uncertain significance (5); Likely benign (1). Last evaluated 2025-06-12.

Conditions:
Joubert syndrome 9 (JBTS9). Identifiers: Orphanet 2318, MedGen C2676788, MONDO:0012849, OMIM 612285.
COACH syndrome 2. Identifiers: MedGen C5436837, MONDO:0030859, OMIM 619111.
Meckel syndrome, type 6. Identifiers: Orphanet 564, MedGen C2676790, MONDO:0012848, OMIM 612284.
Retinitis pigmentosa 93. Identifiers: MedGen C5676970, MONDO:0030797, OMIM 619845.
Joubert syndrome. Also called: Familial aplasia of the vermis; JOUBERT-BOLTSHAUSER SYNDROME. Identifiers: Orphanet 475, MedGen C5979921, MONDO:0018772.
Meckel-Gruber syndrome. Also called: Dysencephalia splachnocystica; DYSENCEPHALIA SPLANCHNOCYSTICA; GRUBER SYNDROME. Identifiers: Orphanet 564, MedGen C0265215, MONDO:0018921.

Allele frequency attached by ClinVar (database versions not stated): gnomAD 0.00001 and 0.00002; gnomAD exomes 0.00003; TOPMed 0.00005; ExAC 0.00006.
gnomAD v4.1: 31 of 1,581,222 alleles (0.002%); highest among the groups gnomAD compares: African/African-American, 0.013%; no homozygotes.

Submissions (6):

Labcorp Genetics (formerly Invitae), Labcorp
Classification: Likely benign for Joubert syndrome; Meckel-Gruber syndrome. Last evaluated: 2025-06-12. Review status: criteria provided, single submitter. Criteria: Invitae Variant Classification Sherloc (09022015). Collection method: clinical testing. Allele origin: germline.

Fulgent Genetics
Classification: Uncertain significance for Meckel syndrome, type 6; Joubert syndrome 9; COACH syndrome 2; Retinitis pigmentosa 93. Last evaluated: 2024-05-29. Review status: criteria provided, single submitter. Criteria: ACMG Guidelines, 2015. Collection method: clinical testing. Allele origin: germline.

GeneDx
Classification: Uncertain significance. Last evaluated: 2024-04-27. Review status: criteria provided, single submitter. Criteria: GeneDx Variant Classification Process June 2021. Collection method: clinical testing. Allele origin: germline. Affected: yes.
Comment: In silico analysis indicates that this missense variant does not alter protein structure/function; Has not been previously published as pathogenic or benign to our knowledge

Eurofins Ntd Llc (ga)
Classification: Uncertain significance. Last evaluated: 2018-08-30. Review status: criteria provided, single submitter. Criteria: EGL ClinVar v180209 classification definitions. Collection method: clinical testing. Allele origin: germline. Observed: 2 variant alleles, 2 heterozygotes.

Illumina Laboratory Services, Illumina
Classification: Uncertain significance for Meckel syndrome, type 6. Last evaluated: 2018-01-13. Review status: criteria provided, single submitter. Criteria: ICSL Variant Classification Criteria 13 December 2019. Collection method: clinical testing. Allele origin: germline.

Illumina Laboratory Services, Illumina
Classification: Uncertain significance for Joubert syndrome 9. Last evaluated: 2018-01-13. Review status: criteria provided, single submitter. Criteria: ICSL Variant Classification Criteria 13 December 2019. Collection method: clinical testing. Allele origin: germline.